The following is an entry in ClinVar:

NM_000133.4(F9):c.723G>A (p.Gln241=)

Gene: F9 (coagulation factor IX; plus strand). Cytogenetic location: Xq27.1.
Variant type: single nucleotide variant.
Coding change: c.723G>A on transcript NM_000133.4 (MANE Select); coding-DNA position 723, G replaced by A.
Protein change: p.Gln241=; no amino-acid change (glutamine 241 retained).
Molecular consequence: synonymous variant.
Genome position (GRCh38, 1-based): chrX:139,551,264, G>A. VCF-style: chrX-139551264-G-A. GRCh37 (hg19) VCF-style: chrX-138633423-G-A.
Other names: c.609G>A, p.Gln203= (NM_001313913.2).
Identifiers: ClinVar variation 2925694 (VCV002925694.3), dbSNP rs1182648920, ClinGen allele CA518862287.

ClinVar aggregate classification (germline): Pathogenic (1 of 4 stars; one submission).

Conditions:
Thrombophilia, X-linked, due to factor 9 defect. Identifiers: MedGen C2749016, MONDO:0010432, OMIM 300807.
Hereditary factor IX deficiency disease (HEMB). Also called: F9 DEFICIENCY; FACTOR IX DEFICIENCY; PLASMA THROMBOPLASTIN COMPONENT DEFICIENCY; Hemophilia B; Christmas Disease. Identifiers: Orphanet 98879, MedGen C0008533, MeSH D002836, MONDO:0010604, OMIM 306900.

Submission:

Labcorp Genetics (formerly Invitae), Labcorp
Classification: Pathogenic for Thrombophilia, X-linked, due to factor 9 defect; Hereditary factor IX deficiency disease. Last evaluated: 2023-03-20. Review status: criteria provided, single submitter. Criteria: Invitae Variant Classification Sherloc (09022015). Collection method: clinical testing. Allele origin: germline.
Comment: This sequence change affects codon 241 of the F9 mRNA. It is a 'silent' change, meaning that it does not change the encoded amino acid sequence of the F9 protein. This variant also falls at the last nucleotide of exon 6, which is part of the consensus splice site for this exon. This variant is not present in population databases (gnomAD no frequency). This variant has been observed in individuals with hemophilia B (PMID: 8680410, 24375831, 35391506). Variants that disrupt the consensus splice site are a relatively common cause of aberrant splicing (PMID: 17576681, 9536098). Studies have shown that this variant is associated with altered splicing resulting in multiple RNA products (PMID: 35391506). For these reasons, this variant has been classified as Pathogenic.

Literature cited by the submitters: PubMed 8680410; PubMed 24375831; PubMed 35391506; PubMed 17576681; PubMed 9536098.